The following is an entry in ClinVar:

NM_003982.4(SLC7A7):c.25G>A (p.Val9Met)

Genes: SLC7A7 (solute carrier family 7 member 7; minus strand), LOC130055324 (ATAC-STARR-seq lymphoblastoid silent region 5590; plus strand). Cytogenetic location: 14q11.2.
Variant type: single nucleotide variant.
Coding change: c.25G>A on transcript NM_003982.4 (MANE Select); coding-DNA position 25, G replaced by A.
Protein change: p.Val9Met; replaces valine 9 with methionine.
Molecular consequence: missense variant.
Genome position (GRCh38, 1-based): chr14:22,813,374, C>T on the plus strand (G>A on the coding strand, the complement: SLC7A7 is on the minus strand). VCF-style: chr14-22813374-C-T. GRCh37 (hg19) VCF-style: chr14-23282583-C-T.
Other names: c.25G>A, p.Val9Met (NM_001126105.3, NM_001126106.4); short protein forms V9M.
Identifiers: ClinVar variation 1042775 (VCV001042775.13), dbSNP rs1594986371, ClinGen allele CA388923715.

ClinVar aggregate classification (germline): Uncertain significance. Review status: criteria provided, single submitter (1 of 4 stars). 2 submissions from 2 submitters: Uncertain significance (1). 1 of the submissions does not count toward it. Last evaluated 2025-11-21.

Conditions:
Lysinuric protein intolerance (LPI). Identifiers: Orphanet 470, MedGen C0268647, MONDO:0009109, OMIM 222700.

Allele frequency attached by ClinVar (database versions not stated): gnomAD exomes below 0.00001.
gnomAD v4.1: 10 of 1,613,228 alleles (0.00062%); highest among the groups gnomAD compares: African/African-American, 0.004%; no homozygotes.

Submissions (2):

Labcorp Genetics (formerly Invitae), Labcorp
Classification: Uncertain significance for Lysinuric protein intolerance. Last evaluated: 2025-11-21. Review status: criteria provided, single submitter. Criteria: Invitae Variant Classification Sherloc (09022015). Collection method: clinical testing. Allele origin: germline.
Comment: This sequence change replaces valine, which is neutral and non-polar, with methionine, which is neutral and non-polar, at codon 9 of the SLC7A7 protein (p.Val9Met). This variant is not present in population databases (gnomAD no frequency). This variant has not been reported in the literature in individuals affected with SLC7A7-related conditions. ClinVar contains an entry for this variant (Variation ID: 1042775). An algorithm developed to predict the effect of missense changes on protein structure and function outputs the following: PolyPhen-2: "Benign". The methionine amino acid residue is found in multiple mammalian species, which suggests that this missense change does not adversely affect protein function. In summary, the available evidence is currently insufficient to determine the role of this variant in disease. Therefore, it has been classified as a Variant of Uncertain Significance.

Natera, Inc.
Classification: Uncertain significance for Lysinuric protein intolerance. Last evaluated: 2020-11-03. Review status: no assertion criteria provided. Collection method: clinical testing. Allele origin: germline. Not counted in ClinVar's aggregate classification.